The following is an entry in ClinVar:

NM_007103.4(NDUFV1):c.563G>A (p.Gly188Asp)

Gene: NDUFV1 (NADH:ubiquinone oxidoreductase core subunit V1; plus strand). Cytogenetic location: 11q13.2.
Variant type: single nucleotide variant.
Coding change: c.563G>A on transcript NM_007103.4 (MANE Select); coding-DNA position 563, G replaced by A.
Protein change: p.Gly188Asp; replaces glycine 188 with aspartic acid.
Molecular consequence: missense variant.
Genome position (GRCh38, 1-based): chr11:67,610,433, G>A. VCF-style: chr11-67610433-G-A. GRCh37 (hg19) VCF-style: chr11-67377904-G-A.
Other names: c.536G>A, p.Gly179Asp (NM_001166102.2); short protein forms G188D, G179D.
Identifiers: ClinVar variation 305747 (VCV000305747.12), dbSNP rs142982022, ClinGen allele CA6143212.

ClinVar aggregate classification (germline): Conflicting classifications of pathogenicity. Review status: criteria provided, conflicting classifications (1 of 4 stars). 4 submissions from 3 submitters: Uncertain significance (3); Likely benign (1). Last evaluated 2026-01-28.

Conditions:
Mitochondrial complex I deficiency, nuclear type 1. Also called: NADH-COENZYME Q REDUCTASE DEFICIENCY; MITOCHONDRIAL NADH DEHYDROGENASE COMPONENT OF COMPLEX I, DEFICIENCY OF. Identifiers: MedGen C6022305, MONDO:0100224, OMIM 252010.
Leigh syndrome (NULS). Also called: Leigh's syndrome; Leigh Disease; Subacute necrotizing encephalopathy; Necrotizing encephalopathy infantile subacute of Leigh; LEIGH SYNDROME, NUCLEAR; Leigh's necrotizing encephalopathy. Identifiers: Orphanet 506, MedGen C2931891, MONDO:0009723, OMIM 256000.

Allele frequency attached by ClinVar (database versions not stated): gnomAD exomes 0.00006 and 0.00018; ExAC 0.00021; ESP Exome Variant Server 0.00046; gnomAD 0.00062 and 0.00064; TOPMed 0.00071; 1000 Genomes Project 0.00080; 1000 Genomes Project 30x 0.00141.

Submissions (4):

Labcorp Genetics (formerly Invitae), Labcorp
Classification: Likely benign. Last evaluated: 2026-01-28. Review status: criteria provided, single submitter. Criteria: Invitae Variant Classification Sherloc (09022015). Collection method: clinical testing. Allele origin: germline.

GeneDx
Classification: Uncertain significance. Last evaluated: 2025-02-28. Review status: criteria provided, single submitter. Criteria: GeneDx Variant Classification Process June 2021. Collection method: clinical testing. Allele origin: germline. Affected: yes.
Comment: In silico analysis supports that this missense variant has a deleterious effect on protein structure/function; Has not been previously published as pathogenic or benign to our knowledge

Illumina Laboratory Services, Illumina
Classification: Uncertain significance for Mitochondrial complex I deficiency, nuclear type 1. Last evaluated: 2018-01-13. Review status: criteria provided, single submitter. Criteria: ICSL Variant Classification Criteria 13 December 2019. Collection method: clinical testing. Allele origin: germline.

Illumina Laboratory Services, Illumina
Classification: Uncertain significance for Leigh syndrome. Last evaluated: 2018-01-13. Review status: criteria provided, single submitter. Criteria: ICSL Variant Classification Criteria 13 December 2019. Collection method: clinical testing. Allele origin: germline.